The following is an entry in ClinVar:

ClinVar aggregate classification (germline): Likely benign. Review status: criteria provided, multiple submitters, no conflicts (2 of 4 stars). 3 submissions from 3 submitters: Likely benign (2). 1 of the submissions does not count toward it. Last evaluated 2024-10-08.

Conditions:
ZFHX3-related disorder. Also called: ZFHX3-related condition.

Allele frequency attached by ClinVar (database versions not stated): 1000 Genomes Project 0.00060; ESP Exome Variant Server 0.00069; gnomAD 0.00010; 1000 Genomes Project 30x 0.00047; TOPMed 0.00054.
gnomAD v4.1: 704 of 1,614,006 alleles (0.044%); highest among the groups gnomAD compares: Middle Eastern, 0.61%; 2 homozygotes.

Submissions (3):

Blueprint Genetics
Classification: Likely benign. Last evaluated: 2024-10-08. Review status: criteria provided, single submitter. Criteria: ACMG Guidelines, 2015. Collection method: clinical testing. Allele origin: germline.

CeGaT Center for Human Genetics Tuebingen
Classification: Likely benign. Last evaluated: 2023-09-01. Review status: criteria provided, single submitter. Criteria: CeGaT Center For Human Genetics Tuebingen Variant Classification Criteria Version 2. Collection method: clinical testing. Allele origin: germline. Affected: yes. Observed: 1 variant allele.
Comment: ZFHX3: BS1

PreventionGenetics, part of Exact Sciences
Classification: Benign for ZFHX3-related condition. Last evaluated: 2019-09-10. Review status: no assertion criteria provided. Collection method: clinical testing. Allele origin: germline. Not counted in ClinVar's aggregate classification.
Comment: This variant is classified as benign based on ACMG/AMP sequence variant interpretation guidelines (Richards et al. 2015 PMID: 25741868, with internal and published modifications).

NM_006885.4(ZFHX3):c.2594A>G (p.Tyr865Cys)

Gene: ZFHX3 (zinc finger homeobox 3; minus strand). Cytogenetic location: 16q22.3.
Variant type: single nucleotide variant.
Coding change: c.2594A>G on transcript NM_006885.4 (MANE Select); coding-DNA position 2594, A replaced by G.
Protein change: p.Tyr865Cys; replaces tyrosine 865 with cysteine.
Molecular consequence: missense variant. On other transcripts: intron variant (1).
Genome position (GRCh38, 1-based): chr16:72,957,552, T>C on the plus strand (A>G on the coding strand, the complement: ZFHX3 is on the minus strand). VCF-style: chr16-72957552-T-C. GRCh37 (hg19) VCF-style: chr16-72991451-T-C.
Other names: c.-23-6587A>G (NM_001164766.2); c.2594A>G (NM_006885.3); short protein forms Y865C.
Identifiers: ClinVar variation 808097 (VCV000808097.37), dbSNP rs139430946, ClinGen allele CA8164380.